The following is an entry in ClinVar:

ClinVar aggregate classification (germline): Uncertain significance (1 of 4 stars; one submission).

Submission:

Women's Health and Genetics/Laboratory Corporation of America, LabCorp
Classification: Uncertain significance. Last evaluated: 2023-08-01. Review status: criteria provided, single submitter. Criteria: LabCorp Variant Classification Summary - May 2015. Collection method: clinical testing. Allele origin: germline.
Comment: Variant summary: SPAST c.1462_1463insTTA (p.Asn487_Arg488insIle) results in an in-frame insertion that is predicted to insert one amino acid into the AAA+ ATPase domain (amino acid 374-510; IPR003593), affecting an evolutionary conserved site (amino acids 480-499; IPR003960) of the encoded protein. Computational tools predict no significant impact on normal splicing. However, these predictions have yet to be confirmed by functional studies. The variant was absent in 251284 control chromosomes (gnomAD). In addition, very few missense changes are reported in the conserved region (amino acids 480-499) (i.e. V482A and V496I). The available data on variant occurrences in the general population are insufficient to allow any conclusion about variant significance. To our knowledge, no occurrence of c.1462_1463insTTA in individuals affected with Spastic Paraplegia 4, Autosomal Dominant and no experimental evidence demonstrating its impact on protein function have been reported. However, several different missense changes affecting the evolutionary conserved region (amino acids 480-499) are reported in individuals affected with Spastic paraplegia (see HGMD, e.g. V482L, G484R, A485T/V, T486A/P, N487D/H, R488W, P489R/L, L492F, D493E/G/H/Y, A495P/V, R498G/M/S/T, R499C), indicating a functional importance for this protein region. No submitters have reported clinical-significance assessments for this variant to ClinVar after 2014. Based on the evidence outlined above, the variant was classified as uncertain significance.

NM_014946.4(SPAST):c.1462_1463insTTA (p.Asn487_Arg488insIle)

Gene: SPAST (spastin; plus strand). Cytogenetic location: 2p22.3.
Variant type: Insertion.
Coding change: c.1462_1463insTTA on transcript NM_014946.4 (MANE Select); coding-DNA positions 1462 to 1463, TTA inserted.
Protein change: p.Asn487_Arg488insIle.
Molecular consequence: inframe insertion.
Genome position: GRCh38 VCF-style: chr2-32137155-A-ATAT. GRCh37 (hg19) VCF-style: chr2-32362224-A-ATAT.
Other names: c.1459_1460insTTA, p.Asn486_Arg487insIle (NM_001363823.2); c.1363_1364insTTA, p.Asn454_Arg455insIle (NM_001363875.2); c.1366_1367insTTA, p.Asn455_Arg456insIle (NM_001377959.1, NM_199436.2).
Identifiers: ClinVar variation 2581593 (VCV002581593.1), dbSNP rs2465885042, ClinGen allele CA2582342362.